The following is an entry in ClinVar:

NM_000277.3(PAH):c.839A>G (p.Glu280Gly)

Gene: PAH (phenylalanine hydroxylase; minus strand). Cytogenetic location: 12q23.2.
Variant type: single nucleotide variant.
Coding change: c.839A>G on transcript NM_000277.3 (MANE Select); coding-DNA position 839, A replaced by G.
Protein change: p.Glu280Gly; replaces glutamic acid 280 with glycine.
Molecular consequence: missense variant.
Genome position (GRCh38, 1-based): chr12:102,852,818, T>C on the plus strand (A>G on the coding strand, the complement: PAH is on the minus strand). VCF-style: chr12-102852818-T-C. GRCh37 (hg19) VCF-style: chr12-103246596-T-C.
Other names: c.839A>G, p.Glu280Gly (NM_001354304.2); short protein forms E280G.
Identifiers: ClinVar variation 102866 (VCV000102866.8), dbSNP rs62508734, ClinGen allele CA229808.
Genomic context (GRCh38, chr12:102,852,818, plus strand): 5'-CAGGAAAAGATGGCGCTCATTGTGCCTGGCAACTGGTAGCTGGAGGACAGTACTCACGGT[T>C]CGGGGGTATACATGGGCTTGGATCCATGTCTGATGTACTGTGTGCAGTGGAAGACTCGGA-3'
Protein context (NP_000268.1, residues 270-290): RHGSKPMYTP[Glu280Gly]PDICHELLGH

ClinVar aggregate classification (germline): Pathogenic. Review status: criteria provided, single submitter (1 of 4 stars). 2 submissions from 2 submitters: Pathogenic (1). 1 of the submissions does not count toward it. Last evaluated 2017-10-12.

Conditions:
Phenylketonuria (PKU). Also called: Phenylketonuria (PKU); FOLLING DISEASE; OLIGOPHRENIA PHENYLPYRUVICA; Phenylketonurias. Identifiers: Orphanet 716, MedGen C0031485, MONDO:0009861, OMIM 261600. Disease mechanism: loss of function.

Submissions (2):

Labcorp Genetics (formerly Invitae), Labcorp
Classification: Pathogenic for Phenylketonuria. Last evaluated: 2017-10-12. Review status: criteria provided, single submitter. Criteria: Invitae Variant Classification Sherloc (09022015). Collection method: clinical testing. Allele origin: germline.
Comment: This variant is not present in population databases (ExAC no frequency). For these reasons, this variant has been classified as Pathogenic. This sequence change replaces glutamic acid with glycine at codon 280 of the PAH protein (p.Glu280Gly). The glutamic acid residue is highly conserved and there is a moderate physicochemical difference between glutamic acid and glycine. A different missense substitution at this codon (p.Glu208Lys) has been determined to be pathogenic (PMID: 12655546, 17935162, 23500595, 2564729, 2014036, 12655546, 17935162, 21953985, 2014036, Invitae). This suggests that the glutamic acid residue is critical for PAH protein function and that other missense substitutions at this position may also be pathogenic. Experimental studies have shown that this missense change impairs PAH enzyme activity in vitro (PMID: 18247293). In addition, this variant has been reported in combination with another PAH variant in an individual affected with PKU (PMID: 18247293). This finding is consistent with autosomal recessive inheritance, and suggests that this variant contributes to disease. ClinVar contains an entry for this variant (Variation ID: 102866).

DeBelle Laboratory for Biochemical Genetics, MUHC/MCH RESEARCH INSTITUTE
No classification provided. Review status: no classification provided. Collection method: not provided. Allele origin: not provided. Not counted in ClinVar's aggregate classification.

Literature cited by the submitters: PubMed 12655546 (cited by Labcorp Genetics (formerly Invitae), Labcorp); PubMed 17935162 (cited by Labcorp Genetics (formerly Invitae), Labcorp); PubMed 23500595 (cited by Labcorp Genetics (formerly Invitae), Labcorp); PubMed 2564729 (cited by Labcorp Genetics (formerly Invitae), Labcorp); PubMed 2014036 (cited by Labcorp Genetics (formerly Invitae), Labcorp); PubMed 21953985 (cited by Labcorp Genetics (formerly Invitae), Labcorp); PubMed 18247293 (cited by Labcorp Genetics (formerly Invitae), Labcorp).